The following is an entry in ClinVar:

ClinVar aggregate classification (germline): Uncertain significance (1 of 4 stars; one submission).

Conditions:
EP300-related disorder. Also called: EP300-related condition; EP300-related disorders.

Submission:

PreventionGenetics, part of Exact Sciences
Classification: Uncertain significance for EP300-related condition. Last evaluated: 2025-06-20. Review status: criteria provided, single submitter. Criteria: ACMG Guidelines, 2015. Collection method: clinical testing. Allele origin: germline.
Comment: The EP300 c.5613_5630del18 variant is predicted to result in an in-frame deletion (p.Ser1873_Thr1878del). To our knowledge, this variant has not been reported in the literature or in a large population database (gnomAD), indicating this variant is rare. At this time, the clinical significance of this variant is uncertain due to the absence of conclusive functional and genetic evidence.

NM_001429.4(EP300):c.5613_5630del (p.Ser1873_Thr1878del)

Gene: EP300 (EP300 lysine acetyltransferase; plus strand). Cytogenetic location: 22q13.2.
Variant type: Deletion.
Coding change: c.5613_5630del on transcript NM_001429.4 (MANE Select); coding-DNA positions 5613 to 5630, 18 bases deleted (CACTTCTCAGCCTCAGCC).
Protein change: p.Ser1873_Thr1878del.
Molecular consequence: inframe deletion.
Genome position (GRCh38, 1-based): chr22:41,177,324-41,177,341, CACTTCTCAGCCTCAGCC deleted; deleting any 18 consecutive bases within chr22:41,177,319-41,177,341 gives the same sequence; the c. name uses the placement nearest the transcript's 3' end. VCF-style (leftmost placement, unchanged base first): chr22-41177318-CCAGCCCACTTCTCAGCCT-C. GRCh37 (hg19) VCF-style: chr22-41573322-CCAGCCCACTTCTCAGCCT-C.
Other names: c.5535_5552del, p.Ser1847_Thr1852del (NM_001362843.2).
Identifiers: ClinVar variation 5000395 (VCV005000395.1).